The following is an entry in ClinVar:

NM_014467.3(SRPX2):c.1396T>G (p.Ter466Gly)

Gene: SRPX2 (sushi repeat containing protein X-linked 2; plus strand). Cytogenetic location: Xq22.1.
Variant type: single nucleotide variant.
Coding change: c.1396T>G on transcript NM_014467.3 (MANE Select); coding-DNA position 1396, T replaced by G.
Protein change: p.Ter466Gly.
Molecular consequence: stop lost.
Genome position (GRCh38, 1-based): chrX:100,670,985, T>G. VCF-style: chrX-100670985-T-G. GRCh37 (hg19) VCF-style: chrX-99925982-T-G.
Identifiers: ClinVar variation 2057954 (VCV002057954.1), dbSNP rs2520314328, ClinGen allele CA413919925.

ClinVar aggregate classification (germline): Uncertain significance (1 of 4 stars; one submission).

Conditions:
Rolandic epilepsy, impaired intellectual development, and speech dyspraxia, X-linked. Also called: Rolandic epilepsy, intellectual disability, and speech dyspraxia, X-linked; Rolandic epilepsy, impaired intellectual development, and speech dyspraxia. Identifiers: MedGen C1845070, MONDO:0010388, OMIM 300643.

Submission:

Labcorp Genetics (formerly Invitae), Labcorp
Classification: Uncertain significance for Rolandic epilepsy, impaired intellectual development, and speech dyspraxia, X-linked. Last evaluated: 2021-12-24. Review status: criteria provided, single submitter. Criteria: Invitae Variant Classification Sherloc (09022015). Collection method: clinical testing. Allele origin: germline.
Comment: This sequence change disrupts the translational stop signal of the SRPX2 mRNA. It is expected to extend the length of the SRPX2 protein by 2 additional amino acid residues. This variant is not present in population databases (gnomAD no frequency). This variant has not been reported in the literature in individuals affected with SRPX2-related conditions. In summary, the available evidence is currently insufficient to determine the role of this variant in disease. Therefore, it has been classified as a Variant of Uncertain Significance.